The following is an entry in ClinVar:

NM_001018113.3(FANCB):c.1501C>G (p.Leu501Val)

Gene: FANCB (FA complementation group B; minus strand). Cytogenetic location: Xp22.2.
Variant type: single nucleotide variant.
Coding change: c.1501C>G on transcript NM_001018113.3 (MANE Select); coding-DNA position 1501, C replaced by G.
Protein change: p.Leu501Val; replaces leucine 501 with valine.
Molecular consequence: missense variant.
Genome position (GRCh38, 1-based): chrX:14,845,282, G>C on the plus strand (C>G on the coding strand, the complement: FANCB is on the minus strand). VCF-style: chrX-14845282-G-C. GRCh37 (hg19) VCF-style: chrX-14863404-G-C.
Other names: c.1501C>G, p.Leu501Val (NM_001324162.2, NM_152633.4); short protein forms L501V.
Identifiers: ClinVar variation 1428641 (VCV001428641.8), dbSNP rs2147391420, ClinGen allele CA412440675.

ClinVar aggregate classification (germline): Uncertain significance (1 of 4 stars; one submission).

Conditions:
Fanconi anemia (FA). Also called: Fanconi's anemia. Identifiers: Orphanet 84, MedGen C0015625, MeSH D005199, MONDO:0019391.

Submission:

Labcorp Genetics (formerly Invitae), Labcorp
Classification: Uncertain significance for Fanconi anemia. Last evaluated: 2021-02-24. Review status: criteria provided, single submitter. Criteria: Invitae Variant Classification Sherloc (09022015). Collection method: clinical testing. Allele origin: germline.
Comment: Algorithms developed to predict the effect of missense changes on protein structure and function are either unavailable or do not agree on the potential impact of this missense change (SIFT: "Tolerated"; PolyPhen-2: "Possibly Damaging"; Align-GVGD: "Class C0"). This sequence change replaces leucine with valine at codon 501 of the FANCB protein (p.Leu501Val). The leucine residue is moderately conserved and there is a small physicochemical difference between leucine and valine. This variant is not present in population databases (ExAC no frequency). This variant has not been reported in the literature in individuals with FANCB-related conditions. Algorithms developed to predict the effect of sequence changes on RNA splicing suggest that this variant may create or strengthen a splice site, but this prediction has not been confirmed by published transcriptional studies. In summary, the available evidence is currently insufficient to determine the role of this variant in disease. Therefore, it has been classified as a Variant of Uncertain Significance.